The following is an entry in ClinVar:

ClinVar aggregate classification (germline): Likely pathogenic. Review status: criteria provided, single submitter (1 of 4 stars). 3 submissions from 3 submitters: Likely pathogenic (1). 2 of the submissions do not count toward it. Last evaluated 2022-03-09.

Conditions:
VISS syndrome. Also called: VASCULAR ANEURYSM, IMMUNE DYSREGULATION, SKELETAL ANOMALIES, AND SKIN AND JOINT LAXITY. Identifiers: MedGen C5561955, MONDO:0859177, OMIM 619472.
IPO8 related Connective tissue disorder.

Allele frequency attached by ClinVar (database versions not stated): gnomAD exomes below 0.00001.
gnomAD v4.1: 5 of 1,614,094 alleles (0.00031%); highest among the groups gnomAD compares: Admixed American, 0.0017%; no homozygotes.

Submissions (3):

SIB Swiss Institute of Bioinformatics
Classification: Likely pathogenic for VISS syndrome. Last evaluated: 2022-03-09. Review status: criteria provided, single submitter. Criteria: ACMG Guidelines, 2015. Collection method: curation. Allele origin: unknown.
Comment: This variant is interpreted as likely pathogenic for VISS syndrome, autosomal recessive. The following ACMG Tag(s) were applied: Absent from controls (or at extremely low frequency if recessive) in Exome Sequencing Project, 1000 Genomes Project, or Exome Aggregation Consortium (PM2); Cosegregation with disease in multiple affected family members in a gene definitively known to cause the disease (PP1); Multiple lines of computational evidence support a deleterious effect on the gene or gene product (PP3); Well-established functional studies show a deleterious effect (PS3).

OMIM
Classification: Pathogenic for VISS SYNDROME. Last evaluated: 2021-08-12. Review status: no assertion criteria provided. Collection method: literature only. Allele origin: germline. Not counted in ClinVar's aggregate classification.

Biochemistry and Genetics Laboratory, University Hospital of Angers
Classification: Pathogenic for IPO8 related Connective tissue disorder. Last evaluated: 2021-04-22. Review status: no assertion criteria provided. Collection method: research. Allele origin: inherited. Affected: yes. Not counted in ClinVar's aggregate classification.

Literature cited by the submitters: PubMed 34010604 (cited by SIB Swiss Institute of Bioinformatics and OMIM).

NM_006390.4(IPO8):c.262G>A (p.Asp88Asn)

Gene: IPO8 (importin 8; minus strand). Cytogenetic location: 12p11.21.
Variant type: single nucleotide variant.
Coding change: c.262G>A on transcript NM_006390.4 (MANE Select); coding-DNA position 262, G replaced by A.
Protein change: p.Asp88Asn; replaces aspartic acid 88 with asparagine.
Molecular consequence: missense variant.
Genome position (GRCh38, 1-based): chr12:30,684,362, C>T on the plus strand (G>A on the coding strand, the complement: IPO8 is on the minus strand). VCF-style: chr12-30684362-C-T. GRCh37 (hg19) VCF-style: chr12-30837296-C-T.
Other names: short protein forms D88N.
Identifiers: ClinVar variation 1064720 (VCV001064720.5), dbSNP rs1234764565, ClinGen allele CA384232599.